The following is an entry in ClinVar:

NM_001035.3(RYR2):c.8879T>A (p.Ile2960Asn)

Gene: RYR2 (ryanodine receptor 2; plus strand). Cytogenetic location: 1q43.
Variant type: single nucleotide variant.
Coding change: c.8879T>A on transcript NM_001035.3 (MANE Select); coding-DNA position 8879, T replaced by A.
Protein change: p.Ile2960Asn; replaces isoleucine 2960 with asparagine.
Molecular consequence: missense variant.
Genome position (GRCh38, 1-based): chr1:237,678,096, T>A. VCF-style: chr1-237678096-T-A. GRCh37 (hg19) VCF-style: chr1-237841396-T-A.
Other names: c.8879T>A, p.Ile2960Asn (LRG_402t1); short protein forms I2960N.
Identifiers: ClinVar variation 404205 (VCV000404205.17), dbSNP rs759048462, ClinGen allele CA16610044.

ClinVar aggregate classification (germline): Uncertain significance. Review status: criteria provided, multiple submitters, no conflicts (2 of 4 stars). 5 submissions from 5 submitters: Uncertain significance (5). Last evaluated 2025-07-02.

Conditions:
Cardiovascular phenotype. Identifiers: MedGen CN230736.
Catecholaminergic polymorphic ventricular tachycardia 1. Also called: RYR2-Related Catecholaminergic Polymorphic Ventricular Tachycardia; VENTRICULAR TACHYCARDIA, CATECHOLAMINERGIC POLYMORPHIC, 1, WITH OR WITHOUT ATRIAL DYSFUNCTION AND/OR DILATED CARDIOMYOPATHY; VENTRICULAR TACHYCARDIA, STRESS-INDUCED POLYMORPHIC 1. Identifiers: Orphanet 3286, MedGen C1631597, MONDO:0011484, OMIM 604772.
Cardiomyopathy (CMYO). Also called: Cardiomyopathies. Identifiers: Orphanet 167848, MedGen C0878544, MONDO:0004994, HP:0001638. Inheritance: Various modes of inheritance.

Submissions (5):

Color Diagnostics, LLC DBA Color Health
Classification: Uncertain significance for Cardiomyopathy. Last evaluated: 2025-07-02. Review status: criteria provided, single submitter. Criteria: ACMG Guidelines, 2015. Collection method: clinical testing. Allele origin: germline.
Comment: This missense variant replaces isoleucine with asparagine at codon 2960 of the RYR2 protein. Computational prediction suggests that this variant may have a deleterious impact on protein structure and function. To our knowledge, functional studies have not been reported for this variant. This variant has been reported in an individual affected with dilated cardiomyopathy (PMID: 35026164) and in an individual suspected to be affected with cardiomyopathy or arrhythmia (PMID: 35947370). This variant has not been identified in the general population by the Genome Aggregation Database (gnomAD). The available evidence is insufficient to determine the role of this variant in disease conclusively. Therefore, this variant is classified as a Variant of Uncertain Significance.

Labcorp Genetics (formerly Invitae), Labcorp
Classification: Uncertain significance for Catecholaminergic polymorphic ventricular tachycardia 1. Last evaluated: 2025-04-01. Review status: criteria provided, single submitter. Criteria: Invitae Variant Classification Sherloc (09022015). Collection method: clinical testing. Allele origin: germline.
Comment: This sequence change replaces isoleucine, which is neutral and non-polar, with asparagine, which is neutral and polar, at codon 2960 of the RYR2 protein (p.Ile2960Asn). This variant is not present in population databases (gnomAD no frequency). This variant has not been reported in the literature in individuals affected with RYR2-related conditions. ClinVar contains an entry for this variant (Variation ID: 404205). Invitae Evidence Modeling of protein sequence and biophysical properties (such as structural, functional, and spatial information, amino acid conservation, physicochemical variation, residue mobility, and thermodynamic stability) indicates that this missense variant is expected to disrupt RYR2 protein function with a positive predictive value of 80%. In summary, the available evidence is currently insufficient to determine the role of this variant in disease. Therefore, it has been classified as a Variant of Uncertain Significance.

Ambry Genetics
Classification: Uncertain significance for Cardiovascular phenotype. Last evaluated: 2023-05-30. Review status: criteria provided, single submitter. Criteria: Ambry Variant Classification Scheme 2023. Collection method: clinical testing. Allele origin: germline.
Comment: The p.I2960N variant (also known as c.8879T>A), located in coding exon 61 of the RYR2 gene, results from a T to A substitution at nucleotide position 8879. The isoleucine at codon 2960 is replaced by asparagine, an amino acid with dissimilar properties. This alteration has been reported in a pediatric cardiomyopathy cohort (Ware SM et al. Am J Hum Genet, 2022 Feb;109:282-298). This amino acid position is well conserved in available vertebrate species. In addition, the in silico prediction for this alteration is inconclusive. Since supporting evidence is limited at this time, the clinical significance of this alteration remains unclear.

GeneDx
Classification: Uncertain significance. Last evaluated: 2023-04-11. Review status: criteria provided, single submitter. Criteria: GeneDx Variant Classification Process June 2021. Collection method: clinical testing. Allele origin: germline. Affected: yes.
Comment: Has not been previously published as pathogenic or benign to our knowledge; Not observed at significant frequency in large population cohorts (gnomAD); Not located in one of the three hot-spot regions of the RYR2 gene, where the majority of pathogenic missense variants occur (Medeiros-Domingo et al., 2009); In silico analysis supports that this missense variant has a deleterious effect on protein structure/function; This variant is associated with the following publications: (PMID: 19926015)

Stanford Center for Inherited Cardiovascular Disease, Stanford University
Classification: Uncertain significance. Last evaluated: 2016-07-27. Review status: criteria provided, single submitter. Criteria: ACMG Guidelines, 2015. Collection method: provider interpretation. Allele origin: germline.

Literature cited by the submitters: PubMed 35026164 (cited by Color Diagnostics, LLC DBA Color Health and Ambry Genetics); PubMed 35947370 (cited by Color Diagnostics, LLC DBA Color Health).